The following is an entry in ClinVar:

ClinVar aggregate classification (germline): Uncertain significance. Review status: criteria provided, multiple submitters, no conflicts (2 of 4 stars). 2 submissions from 2 submitters: Uncertain significance (2). Last evaluated 2025-08-20.

Conditions:
Mitochondrial complex II deficiency, nuclear type 1. Also called: SUCCINATE CoQ REDUCTASE DEFICIENCY. Identifiers: Orphanet 3208, MedGen C5700310, MONDO:0100294, OMIM 252011.
Pheochromocytoma/paraganglioma syndrome 5. Also called: Paragangliomas 5; SDHA-Related Hereditary Paraganglioma-Pheochromocytoma Syndrome. Identifiers: Orphanet 29072, MedGen C3279992, MONDO:0013602, OMIM 614165.
Hereditary cancer-predisposing syndrome. Also called: Neoplastic Syndromes, Hereditary; Tumor predisposition; Hereditary neoplastic syndrome; Hereditary Cancer Syndrome. Identifiers: Orphanet 140162, MedGen C0027672, MeSH D009386, MONDO:0015356.

Submissions (2):

Ambry Genetics
Classification: Uncertain significance for Hereditary cancer-predisposing syndrome. Last evaluated: 2025-08-20. Review status: criteria provided, single submitter. Criteria: Ambry Variant Classification Scheme 2023. Collection method: clinical testing. Allele origin: germline.
Comment: The p.A523S variant (also known as c.1567G>T), located in coding exon 12 of the SDHA gene, results from a G to T substitution at nucleotide position 1567. The alanine at codon 523 is replaced by serine, an amino acid with similar properties. This amino acid position is conserved. In addition, the in silico prediction for this alteration is inconclusive. Based on the available evidence, the clinical significance of this variant remains unclear.

Labcorp Genetics (formerly Invitae), Labcorp
Classification: Uncertain significance for Pheochromocytoma/paraganglioma syndrome 5; Mitochondrial complex II deficiency, nuclear type 1. Last evaluated: 2023-03-20. Review status: criteria provided, single submitter. Criteria: Invitae Variant Classification Sherloc (09022015). Collection method: clinical testing. Allele origin: germline.
Comment: This sequence change replaces alanine, which is neutral and non-polar, with serine, which is neutral and polar, at codon 523 of the SDHA protein (p.Ala523Ser). This variant is not present in population databases (gnomAD no frequency). This variant has not been reported in the literature in individuals affected with SDHA-related conditions. ClinVar contains an entry for this variant (Variation ID: 539628). Advanced modeling of protein sequence and biophysical properties (such as structural, functional, and spatial information, amino acid conservation, physicochemical variation, residue mobility, and thermodynamic stability) has been performed at Invitae for this missense variant, however the output from this modeling did not meet the statistical confidence thresholds required to predict the impact of this variant on SDHA protein function. In summary, the available evidence is currently insufficient to determine the role of this variant in disease. Therefore, it has been classified as a Variant of Uncertain Significance.

NM_004168.4(SDHA):c.1567G>T (p.Ala523Ser)

Gene: SDHA (succinate dehydrogenase complex flavoprotein subunit A; plus strand). Cytogenetic location: 5p15.33.
Variant type: single nucleotide variant.
Coding change: c.1567G>T on transcript NM_004168.4 (MANE Select); coding-DNA position 1567, G replaced by T.
Protein change: p.Ala523Ser; replaces alanine 523 with serine.
Molecular consequence: missense variant. On other transcripts: intron variant (1).
Genome position (GRCh38, 1-based): chr5:251,007, G>T. VCF-style: chr5-251007-G-T. GRCh37 (hg19) VCF-style: chr5-251122-G-T.
Other names: c.1423G>T, p.Ala475Ser (NM_001294332.2); c.1552-3386G>T (NM_001330758.2); c.1567G>T (NM_004168.2); short protein forms A523S, A475S.
Identifiers: ClinVar variation 539628 (VCV000539628.10), dbSNP rs1554001820, ClinGen allele CA358998442.